The following is an entry in ClinVar:

NM_000038.6(APC):c.5901C>G (p.Ser1967=)

Gene: APC (APC regulator of Wnt signaling pathway; plus strand). Cytogenetic location: 5q22.2.
Variant type: single nucleotide variant.
Coding change: c.5901C>G on transcript NM_000038.6 (MANE Select); coding-DNA position 5901, C replaced by G.
Protein change: p.Ser1967=; no amino-acid change (serine 1967 retained).
Molecular consequence: synonymous variant. On other transcripts: non-coding transcript variant (2).
Genome position (GRCh38, 1-based): chr5:112,841,495, C>G. VCF-style: chr5-112841495-C-G. GRCh37 (hg19) VCF-style: chr5-112177192-C-G.
Other names: c.5901C>G, p.Ser1967= (NM_001127510.3, NM_001354895.2, NM_001407450.1); c.5847C>G, p.Ser1949= (NM_001127511.3); c.5955C>G, p.Ser1985= (NM_001354896.2, NM_001407447.1, NM_001407448.1 and 1 more transcripts); c.5931C>G, p.Ser1977= (NM_001354897.2); c.5826C>G, p.Ser1942= (NM_001354898.2); c.5817C>G, p.Ser1939= (NM_001354899.2); c.5778C>G, p.Ser1926= (NM_001354900.2); c.5724C>G, p.Ser1908= (NM_001354901.2, NM_001407453.1); and 11 more.
Identifiers: ClinVar variation 3254464 (VCV003254464.1), dbSNP rs1561603572.

ClinVar aggregate classification (germline): Benign (1 of 4 stars; one submission).

Conditions:
Familial adenomatous polyposis 1 (FAP1). Also called: FAMILIAL ADENOMATOUS POLYPOSIS 1, ATTENUATED; POLYPOSIS, ADENOMATOUS INTESTINAL. Identifiers: MedGen C2713442, MONDO:0021056, OMIM 175100. Disease mechanism: loss of function.

Submission:

Myriad Genetics, Inc.
Classification: Benign for Familial adenomatous polyposis 1. Last evaluated: 2024-04-03. Review status: criteria provided, single submitter. Criteria: Myriad Autosomal Dominant, Autosomal Recessive and X-Linked Classification Criteria (2023). Collection method: clinical testing. Allele origin: unknown.
Comment: This variant is considered benign. This variant is a silent/synonymous amino acid change and it is not expected to impact splicing.